The following is an entry in ClinVar:

NM_000337.6(SGCD):c.809G>A (p.Arg270Lys)

Gene: SGCD (sarcoglycan delta; plus strand). Cytogenetic location: 5q33.3.
Variant type: single nucleotide variant.
Coding change: c.809G>A on transcript NM_000337.6 (MANE Select); coding-DNA position 809, G replaced by A.
Protein change: p.Arg270Lys; replaces arginine 270 with lysine.
Molecular consequence: missense variant.
Genome position (GRCh38, 1-based): chr5:156,759,326, G>A. VCF-style: chr5-156759326-G-A. GRCh37 (hg19) VCF-style: chr5-156186337-G-A.
Other names: c.806G>A, p.Arg269Lys (NM_001128209.2); short protein forms R270K, R269K.
Identifiers: ClinVar variation 1761980 (VCV001761980.4), dbSNP rs2480211081, ClinGen allele CA362009566.

ClinVar aggregate classification (germline): Uncertain significance. Review status: criteria provided, multiple submitters, no conflicts (2 of 4 stars). 3 submissions from 3 submitters: Uncertain significance (3). Last evaluated 2025-12-05.

Conditions:
Inborn genetic diseases. Identifiers: MedGen C0950123, MeSH D030342.
Autosomal recessive limb-girdle muscular dystrophy type 2F (LGMDR6). Also called: MUSCULAR DYSTROPHY, LIMB-GIRDLE, AUTOSOMAL RECESSIVE 6; Muscular dystrophy limb-girdle with delta-sarcoglyan deficiency. Identifiers: Orphanet 219, MedGen C1832525, MONDO:0011028, OMIM 601287. Disease mechanism: Affects gamma-sarcoglycan and also disrupts the integrity of the entire sarcoglycan complex..

Allele frequency attached by ClinVar (database versions not stated): gnomAD exomes below 0.00001.
gnomAD v4.1: 1 of 1,613,336 alleles (0.000062%); highest among the groups gnomAD compares: Admixed American, 0.0017%; no homozygotes.

Submissions (3):

Myriad Genetics, Inc.
Classification: Uncertain significance for Autosomal recessive limb-girdle muscular dystrophy type 2F. Last evaluated: 2025-12-05. Review status: criteria provided, single submitter. Criteria: Myriad Autosomal Dominant, Autosomal Recessive and X-Linked Classification Criteria (2023). Collection method: clinical testing. Allele origin: unknown.
Comment: NM_000337.5(SGCD):c.809G>A(R270K) is a missense variant classified as a variant of uncertain significance in the context of delta-sarcoglycanopathy. R270K has not been observed in cases with relevant disease. Relevant functional assessments of this variant are not available in the literature. R270K has not been observed in referenced population frequency databases. In summary, there is insufficient evidence to classify NM_000337.5(SGCD):c.809G>A(R270K) as pathogenic or benign. Please note: this variant was assessed in the context of healthy population screening.

Athena Diagnostics
Classification: Uncertain significance. Last evaluated: 2024-10-18. Review status: criteria provided, single submitter. Criteria: Athena Diagnostics Criteria. Collection method: clinical testing. Allele origin: unknown.
Comment: Available data are insufficient to determine the clinical significance of the variant at this time. This variant has not been reported in large, multi-ethnic general populations. Polyphen and MutationTaster predict this amino acid change may be benign.

Ambry Genetics
Classification: Uncertain significance for Inborn genetic diseases. Last evaluated: 2021-11-04. Review status: criteria provided, single submitter. Criteria: Ambry Variant Classification Scheme 2023. Collection method: clinical testing. Allele origin: germline.
Comment: The p.R270K variant (also known as c.809G>A), located in coding exon 8 of the SGCD gene, results from a G to A substitution at nucleotide position 809. The arginine at codon 270 is replaced by lysine, an amino acid with highly similar properties. This amino acid position is conserved. In addition, the in silico prediction for this alteration is inconclusive. Since supporting evidence is limited at this time, the clinical significance of this alteration remains unclear.

Literature cited by the submitters: PubMed 35352813 (cited by Athena Diagnostics).